The following is an entry in ClinVar:

ClinVar aggregate classification (germline): Likely pathogenic (1 of 4 stars; one submission).

Submission:

Labcorp Genetics (formerly Invitae), Labcorp
Classification: Likely pathogenic. Last evaluated: 2023-11-15. Review status: criteria provided, single submitter. Criteria: Invitae Variant Classification Sherloc (09022015). Collection method: clinical testing. Allele origin: germline.
Comment: This sequence change replaces glycine, which is neutral and non-polar, with serine, which is neutral and polar, at codon 1962 of the ABCA12 protein (p.Gly1962Ser). This variant also falls at the last nucleotide of exon 39, which is part of the consensus splice site for this exon. This variant is not present in population databases (gnomAD no frequency). This missense change has been observed in individual(s) with ichthyosis (PMID: 29298786, 32978145). In at least one individual the data is consistent with being in trans (on the opposite chromosome) from a pathogenic variant. An algorithm developed to predict the effect of missense changes on protein structure and function (PolyPhen-2) suggests that this variant is likely to be tolerated. Variants that disrupt the consensus splice site are a relatively common cause of aberrant splicing (PMID: 17576681, 9536098). Algorithms developed to predict the effect of sequence changes on RNA splicing suggest that this variant may disrupt the consensus splice site. In summary, the currently available evidence indicates that the variant is pathogenic, but additional data are needed to prove that conclusively. Therefore, this variant has been classified as Likely Pathogenic.

Literature cited by the submitters: PubMed 29298786; PubMed 32978145; PubMed 17576681; PubMed 9536098.

NM_173076.3(ABCA12):c.5884G>A (p.Gly1962Ser)

Gene: ABCA12 (ATP binding cassette subfamily A member 12; minus strand). Cytogenetic location: 2q35.
Variant type: single nucleotide variant.
Coding change: c.5884G>A on transcript NM_173076.3 (MANE Select); coding-DNA position 5884, G replaced by A.
Protein change: p.Gly1962Ser; replaces glycine 1962 with serine.
Molecular consequence: missense variant. On other transcripts: non-coding transcript variant (1).
Genome position (GRCh38, 1-based): chr2:214,966,848, C>T on the plus strand (G>A on the coding strand, the complement: ABCA12 is on the minus strand). VCF-style: chr2-214966848-C-T. GRCh37 (hg19) VCF-style: chr2-215831572-C-T.
Other names: c.4930G>A, p.Gly1644Ser (NM_015657.4); short protein forms G1644S, G1962S.
Identifiers: ClinVar variation 2910156 (VCV002910156.3), dbSNP rs2469191582, ClinGen allele CA350451795.